The following is an entry in ClinVar:

NM_000170.3(GLDC):c.2455A>G (p.Lys819Glu)

Gene: GLDC (glycine decarboxylase; minus strand). Cytogenetic location: 9p24.1.
Variant type: single nucleotide variant.
Coding change: c.2455A>G on transcript NM_000170.3 (MANE Select); coding-DNA position 2455, A replaced by G.
Protein change: p.Lys819Glu; replaces lysine 819 with glutamic acid.
Molecular consequence: missense variant.
Genome position (GRCh38, 1-based): chr9:6,553,370, T>C on the plus strand (A>G on the coding strand, the complement: GLDC is on the minus strand). VCF-style: chr9-6553370-T-C. GRCh37 (hg19) VCF-style: chr9-6553370-T-C.
Other names: short protein forms K819E.
Identifiers: ClinVar variation 665917 (VCV000665917.12), dbSNP rs1587922096, ClinGen allele CA372878152.
Genomic context (GRCh38, chr9:6,553,370, plus strand): 5'-CCATGCATGCCTGACGCCCCCACCCACCTGCACACCTGCACATACTCCCAGGCCTCACCT[T>C]GATATAAGCCCAGGAAATGGGCAAGATGGAACTGGAGCCCCATGGGGCCGCACTGACGGT-3'
Protein context (NP_000161.2, residues 809-829): SILPISWAYI[Lys819Glu]MMGGKGLKQA

ClinVar aggregate classification (germline): Pathogenic/Likely pathogenic. Review status: criteria provided, multiple submitters, no conflicts (2 of 4 stars). 2 submissions from 2 submitters: Pathogenic (1); Likely pathogenic (1). Last evaluated 2026-08-03.

Conditions:
Glycine encephalopathy 1 (GCE1). Identifiers: MedGen CN376801, MONDO:0958179, OMIM 605899.
Glycine encephalopathy. Also called: Non-ketotic hyperglycinemia; Nonketotic hyperglycinemia. Identifiers: Orphanet 407, MedGen C0751748, MONDO:0011612, HP:0008288.

Allele frequency attached by ClinVar (database versions not stated): gnomAD exomes below 0.00001.
gnomAD v4.1: 1 of 1,613,750 alleles (0.000062%); highest among the groups gnomAD compares: Non-Finnish European, 0.000085%; no homozygotes.

Submissions (2):

Myriad Genetics, Inc.
Classification: Likely pathogenic for Glycine encephalopathy 1. Last evaluated: 2026-08-03. Review status: criteria provided, single submitter. Criteria: Myriad Autosomal Dominant, Autosomal Recessive and X-Linked Classification Criteria (2023). Collection method: clinical testing. Allele origin: unknown.
Comment: NM_000170.2(GLDC):c.2455A>G(K819E) is a missense variant classified as likely pathogenic in the context of glycine encephalopathy, GLDC-related. K819E has been observed in cases with relevant disease (PMID: 27362913, 38589924). Relevant functional assessments of this variant are not available in the literature. K819E has not been observed in referenced population frequency databases. In summary, NM_000170.2(GLDC):c.2455A>G(K819E) is a missense variant that has been observed more frequently in cases with the relevant disease than in healthy populations. Please note: this variant was assessed in the context of healthy population screening.

Labcorp Genetics (formerly Invitae), Labcorp
Classification: Pathogenic for Glycine encephalopathy. Last evaluated: 2021-03-27. Review status: criteria provided, single submitter. Criteria: Invitae Variant Classification Sherloc (09022015). Collection method: clinical testing. Allele origin: germline.
Comment: For these reasons, this variant has been classified as Pathogenic. Algorithms developed to predict the effect of missense changes on protein structure and function are either unavailable or do not agree on the potential impact of this missense change (SIFT: "Deleterious"; PolyPhen-2: "Probably Damaging"; Align-GVGD: "Class C0"). This variant has been observed on the opposite chromosome (in trans) from a pathogenic variant in an individual affected with glycine encephalopathy, and has been shown to segregate with disease in a family (PMID: 27362913, Invitae). This variant is not present in population databases (ExAC no frequency). This sequence change replaces lysine with glutamic acid at codon 819 of the GLDC protein (p.Lys819Glu). The lysine residue is highly conserved and there is a small physicochemical difference between lysine and glutamic acid.

Literature cited by the submitters: PubMed 27362913 (cited by Myriad Genetics, Inc. and Labcorp Genetics (formerly Invitae), Labcorp); PubMed 38589924 (cited by Myriad Genetics, Inc.).